The following is an entry in ClinVar:

NM_174936.4(PCSK9):c.401C>A (p.Ala134Asp)

Gene: PCSK9 (proprotein convertase subtilisin/kexin type 9; plus strand). Cytogenetic location: 1p32.3.
Variant type: single nucleotide variant.
Coding change: c.401C>A on transcript NM_174936.4 (MANE Select); coding-DNA position 401, C replaced by A.
Protein change: p.Ala134Asp; replaces alanine 134 with aspartic acid.
Molecular consequence: missense variant.
Genome position (GRCh38, 1-based): chr1:55,046,524, C>A. VCF-style: chr1-55046524-C-A. GRCh37 (hg19) VCF-style: chr1-55512197-C-A.
Other names: short protein forms A134D.
Identifiers: ClinVar variation 1172037 (VCV001172037.12), dbSNP rs781466793, ClinGen allele CA042040.

ClinVar aggregate classification (germline): Uncertain significance. Review status: criteria provided, multiple submitters, no conflicts (2 of 4 stars). 6 submissions from 6 submitters: Uncertain significance (6). Last evaluated 2025-10-28.

Conditions:
Familial hypercholesterolemia. Also called: Familial hypercholesterolaemia; Familial hypercholesterolemias. Identifiers: MedGen C0020445, MONDO:0005439.
Cardiovascular phenotype. Identifiers: MedGen CN230736.
Hypercholesterolemia, autosomal dominant, 3 (FHCL3). Also called: Familial hypercholesterolemia 3; Familial Hypercholesterolemia, Autosomal Dominant, 3; PCSK9-Related Familial Hypercholesterolemia, Autosomal Dominant. Identifiers: MedGen C1863551, MONDO:0011369, OMIM 603776.

Allele frequency attached by ClinVar (database versions not stated): ExAC 0.00001; gnomAD exomes 0.00001; TOPMed 0.00001.
gnomAD v4.1: 13 of 1,614,184 alleles (0.00081%); highest among the groups gnomAD compares: Non-Finnish European, 0.001%; no homozygotes.

Submissions (6):

Color Diagnostics, LLC DBA Color Health
Classification: Uncertain significance for Familial hypercholesterolemia. Last evaluated: 2025-10-28. Review status: criteria provided, single submitter. Criteria: ACMG Guidelines, 2015. Collection method: clinical testing. Allele origin: germline.
Comment: This missense variant replaces alanine with aspartic acid at codon 134 of the PCSK9 protein. Computational prediction is inconclusive regarding the impact of this variant on protein structure and function. To our knowledge, functional studies have not been reported for this variant. This variant has not been reported in individuals affected with PCSK9-related disorders in the literature. This variant has been identified in 13/1614184 chromosomes in the general population by the Genome Aggregation Database (gnomAD). The available evidence is insufficient to determine the role of this variant in disease conclusively. Therefore, this variant is classified as a Variant of Uncertain Significance.

GeneDx
Classification: Uncertain significance. Last evaluated: 2025-05-18. Review status: criteria provided, single submitter. Criteria: GeneDx Variant Classification Process June 2021. Collection method: clinical testing. Allele origin: germline. Affected: yes.
Comment: Not observed at significant frequency in large population cohorts (gnomAD); In silico analysis supports that this missense variant has a deleterious effect on protein structure/function; Has not been previously published as pathogenic or benign to our knowledge

Ambry Genetics
Classification: Uncertain significance for Cardiovascular phenotype. Last evaluated: 2023-12-03. Review status: criteria provided, single submitter. Criteria: Ambry Variant Classification Scheme 2023. Collection method: clinical testing. Allele origin: germline.
Comment: The p.A134D variant (also known as c.401C>A), located in coding exon 3 of the PCSK9 gene, results from a C to A substitution at nucleotide position 401. The alanine at codon 134 is replaced by aspartic acid, an amino acid with dissimilar properties. This amino acid position is conserved. In addition, the in silico prediction for this alteration is inconclusive. Since supporting evidence is limited at this time, the clinical significance of this alteration remains unclear.

All of Us Research Program, National Institutes of Health
Classification: Uncertain significance for Hypercholesterolemia, autosomal dominant, 3. Last evaluated: 2023-10-02. Review status: criteria provided, single submitter. Criteria: ACMG Guidelines, 2015. Collection method: clinical testing. Allele origin: germline. Inheritance: Autosomal dominant inheritance. Observed: 4 variant alleles, 4 heterozygotes.
Comment: This missense variant replaces alanine with aspartic acid at codon 134 of the PCSK9 protein. Computational prediction is inconclusive regarding the impact of this variant on protein structure and function (internally defined REVEL score threshold 0.5 < inconclusive < 0.7, PMID: 27666373). To our knowledge, functional studies have not been reported for this variant. This variant has not been reported in individuals affected with familial hypercholesterolemia in the literature. This variant has been identified in 3/282870 chromosomes in the general population by the Genome Aggregation Database (gnomAD). The available evidence is insufficient to determine the role of this variant in disease conclusively. Therefore, this variant is classified as a Variant of Uncertain Significance.

This study involves interpretation of variants in research participants for the purpose of population health screening. Participant phenotype was not available at the time of variant classification. Additional details can be found in publication PMID: 35346344, PMCID: PMC8962531

Labcorp Genetics (formerly Invitae), Labcorp
Classification: Uncertain significance for Hypercholesterolemia, autosomal dominant, 3. Last evaluated: 2022-06-13. Review status: criteria provided, single submitter. Criteria: Invitae Variant Classification Sherloc (09022015). Collection method: clinical testing. Allele origin: germline.
Comment: This variant is present in population databases (rs781466793, gnomAD 0.002%). In summary, the available evidence is currently insufficient to determine the role of this variant in disease. Therefore, it has been classified as a Variant of Uncertain Significance. Algorithms developed to predict the effect of missense changes on protein structure and function are either unavailable or do not agree on the potential impact of this missense change (SIFT: "Deleterious"; PolyPhen-2: "Possibly Damaging"; Align-GVGD: "Class C15"). ClinVar contains an entry for this variant (Variation ID: 1172037). This variant has not been reported in the literature in individuals affected with PCSK9-related conditions. This sequence change replaces alanine, which is neutral and non-polar, with aspartic acid, which is acidic and polar, at codon 134 of the PCSK9 protein (p.Ala134Asp).

Fulgent Genetics
Classification: Uncertain significance for Hypercholesterolemia, autosomal dominant, 3. Last evaluated: 2021-09-08. Review status: criteria provided, single submitter. Criteria: ACMG Guidelines, 2015. Collection method: clinical testing. Allele origin: unknown.